The following is an entry in ClinVar:

NM_001848.3(COL6A1):c.2926C>T (p.Arg976Cys)

Gene: COL6A1 (collagen type VI alpha 1 chain; plus strand). Cytogenetic location: 21q22.3.
Variant type: single nucleotide variant.
Coding change: c.2926C>T on transcript NM_001848.3 (MANE Select); coding-DNA position 2926, C replaced by T.
Protein change: p.Arg976Cys; replaces arginine 976 with cysteine.
Molecular consequence: missense variant.
Genome position (GRCh38, 1-based): chr21:46,003,852, C>T. VCF-style: chr21-46003852-C-T. GRCh37 (hg19) VCF-style: chr21-47423766-C-T.
Other names: short protein forms R976C.
Identifiers: ClinVar variation 1311343 (VCV001311343.10), dbSNP rs376061269, ClinGen allele CA10071077.

ClinVar aggregate classification (germline): Conflicting classifications of pathogenicity. Review status: criteria provided, conflicting classifications (1 of 4 stars). 3 submissions from 3 submitters: Uncertain significance (2); Benign (1). Last evaluated 2026-09-01.

Conditions:
Bethlem myopathy 1A. Also called: MYOPATHY, BENIGN CONGENITAL, WITH CONTRACTURES; Bethlem Muscular Dystrophy; Bethlem myopathy 1. Identifiers: Orphanet 610, MedGen CN029274, MONDO:0024530, OMIM 158810.

Allele frequency attached by ClinVar (database versions not stated): gnomAD 0.00002 and 0.00004; gnomAD exomes 0.00002 and 0.00005; TOPMed 0.00003; ExAC 0.00005; ESP Exome Variant Server 0.00008; 1000 Genomes Project 30x 0.00016; 1000 Genomes Project 0.00020.
gnomAD v4.1: 38 of 1,600,716 alleles (0.0024%); highest among the groups gnomAD compares: South Asian, 0.019%; no homozygotes.

Submissions (3):

CeGaT Center for Human Genetics Tuebingen
Classification: Uncertain significance. Last evaluated: 2026-09-01. Review status: criteria provided, single submitter. Criteria: CeGaT Center For Human Genetics Tuebingen Variant Classification Criteria Version 2. Collection method: clinical testing. Allele origin: germline. Affected: yes. Observed: 1 variant allele.
Comment: COL6A1: PM2, BP4

Labcorp Genetics (formerly Invitae), Labcorp
Classification: Benign for Bethlem myopathy 1A. Last evaluated: 2024-11-18. Review status: criteria provided, single submitter. Criteria: Invitae Variant Classification Sherloc (09022015). Collection method: clinical testing. Allele origin: germline.

GeneDx
Classification: Uncertain significance. Last evaluated: 2019-12-23. Review status: criteria provided, single submitter. Criteria: GeneDx Variant Classification Process June 2021. Collection method: clinical testing. Allele origin: germline. Affected: yes.
Comment: In silico analysis, which includes protein predictors and evolutionary conservation, supports that this variant does not alter protein structure/function; Has not been previously published as pathogenic or benign to our knowledge